The following is an entry in ClinVar:

NM_000038.6(APC):c.3173dup (p.Asp1058fs)

Gene: APC (APC regulator of Wnt signaling pathway; plus strand). Cytogenetic location: 5q22.2.
Variant type: Duplication.
Coding change: c.3173dup on transcript NM_000038.6 (MANE Select); coding-DNA position 3173, one base duplicated (A; older notation c.3173dupA).
Protein change: p.Asp1058fs; shifts the reading frame from aspartic acid 1058.
Molecular consequence: frameshift variant. On other transcripts: non-coding transcript variant (2).
Genome position (GRCh38, 1-based): chr5:112,838,767, A duplicated. VCF-style (leftmost placement, unchanged base first): chr5-112838766-G-GA. GRCh37 (hg19) VCF-style: chr5-112174463-G-GA.
Other names: c.3173dupA (NM_000038.5); c.3173dup, p.Asp1058fs (NM_001127510.3, NM_001354895.2, NM_001407450.1); c.3119dup, p.Asp1040fs (NM_001127511.3); c.3227dup, p.Asp1076fs (NM_001354896.2, NM_001407447.1, NM_001407448.1 and 1 more transcripts); c.3203dup, p.Asp1068fs (NM_001354897.2); c.3098dup, p.Asp1033fs (NM_001354898.2); c.3089dup, p.Asp1030fs (NM_001354899.2); c.3050dup, p.Asp1017fs (NM_001354900.2); and 12 more; short protein forms D1017fs, D1030fs, D1033fs, D1040fs, D1048fs, D1051fs, D1058fs, D1068fs.
Identifiers: ClinVar variation 2583880 (VCV002583880.2), dbSNP rs2533476847, ClinGen allele CA2582341489.
Genomic context (GRCh38, chr5:112,838,766, plus strand): 5'-TCTGGAAGGCAAAGTCCTTCACAGAATGAAAGATGGGCAAGACCCAAACACATAATAGAA[G>GA]ATGAAATAAAACAAAGTGAGCAAAGACAATCAAGGAATCAAAGTACAACTTATCCTGTTT-3'

ClinVar aggregate classification (germline): Pathogenic/Likely pathogenic. Review status: criteria provided, multiple submitters, no conflicts (2 of 4 stars). 2 submissions from 2 submitters: Pathogenic (1); Likely pathogenic (1). Last evaluated 2025-06-11.

Conditions:
Familial adenomatous polyposis 1 (FAP1). Also called: FAMILIAL ADENOMATOUS POLYPOSIS 1, ATTENUATED; POLYPOSIS, ADENOMATOUS INTESTINAL. Identifiers: MedGen C2713442, MONDO:0021056, OMIM 175100. Disease mechanism: loss of function.
Hereditary cancer-predisposing syndrome. Also called: Hereditary neoplastic syndrome; Tumor predisposition; Hereditary Cancer Syndrome; Neoplastic Syndromes, Hereditary. Identifiers: Orphanet 140162, MedGen C0027672, MeSH D009386, MONDO:0015356.

Submissions (2):

Ambry Genetics
Classification: Likely pathogenic for Hereditary cancer-predisposing syndrome. Last evaluated: 2025-06-11. Review status: criteria provided, single submitter. Criteria: Ambry Variant Classification Scheme 2023. Collection method: clinical testing. Allele origin: germline.
Comment: The c.3173dupA variant, located in coding exon 15 of the APC gene, results from a duplication of A at nucleotide position 3173, causing a translational frameshift with a predicted alternate stop codon (p.D1058Efs*2). This alteration occurs at the 3' terminus of theAPC gene, is not expected to trigger nonsense-mediated mRNA decay, and impacts the last 62.8% of the protein. However, premature stop codons are typically deleterious in nature, a significant portion of the protein is affected, and the impacted region is critical for protein function (Ambry internal data). This variant is considered to be rare based on population cohorts in the Genome Aggregation Database (gnomAD). Based on the majority of available evidence to date, this variant is likely to be pathogenic.

Myriad Genetics, Inc.
Classification: Pathogenic for Familial adenomatous polyposis 1. Last evaluated: 2023-05-05. Review status: criteria provided, single submitter. Criteria: Myriad Autosomal Dominant, Autosomal Recessive and X-Linked Classification Criteria (2023). Collection method: clinical testing. Allele origin: unknown.
Comment: This variant is considered pathogenic. This variant creates a frameshift predicted to result in premature protein truncation.